The following is an entry in ClinVar:

NC_000013.11:g.(?_48302747)_(48482890_?)del

Genes: LPAR6 (lysophosphatidic acid receptor 6; minus strand), RB1 (RB transcriptional corepressor 1; plus strand). Cytogenetic location: 13q14.2.
Variant type: Deletion.
Identifiers: ClinVar variation 831300 (VCV000831300.2).

ClinVar aggregate classification (germline): Pathogenic (1 of 4 stars; one submission).

Conditions:
Retinoblastoma (RB1). Also called: RETINOBLASTOMA, SOMATIC. Identifiers: Orphanet 790, MedGen C0035335, MeSH D012175, MONDO:0008380, OMIM 180200, HP:0009919. Disease mechanism: loss of function. Inheritance: Both sporadic and heritable forms are tested..

Submission:

Labcorp Genetics (formerly Invitae), Labcorp
Classification: Pathogenic for Retinoblastoma. Last evaluated: 2021-12-03. Review status: criteria provided, single submitter. Criteria: Invitae Variant Classification Sherloc (09022015). Collection method: clinical testing. Allele origin: germline.
Comment: A gross deletion of the genomic region encompassing the full coding sequence of the RB1 gene has been identified. Loss-of-function variants in RB1 are known to be pathogenic (PMID: 17096365). The boundaries of this event are unknown as they extend beyond the assayed region for this gene and therefore may encompass additional genes. A similar copy number variant has been observed in individuals with retinoblastoma (PMID: 8099255, 12541220, 28575107, 29568217). For these reasons, this variant has been classified as Pathogenic.

Literature cited by the submitters: PubMed 17096365; PubMed 8099255; PubMed 12541220; PubMed 28575107; PubMed 29568217.